The following is an entry in ClinVar:

ClinVar aggregate classification (germline): Uncertain significance (1 of 4 stars; one submission).

Conditions:
Gastrointestinal stromal tumor. Also called: Gastrointestinal stroma tumor; Gastrointestinal stromal tumor, somatic. Identifiers: Orphanet 44890, MedGen C0238198, MeSH D046152, MONDO:0011719, OMIM 606764, HP:0100723.

Submission:

Labcorp Genetics (formerly Invitae), Labcorp
Classification: Uncertain significance for Gastrointestinal stromal tumor. Last evaluated: 2017-04-20. Review status: criteria provided, single submitter. Criteria: Invitae Variant Classification Sherloc (09022015). Collection method: clinical testing. Allele origin: germline.
Comment: A gross duplication of the genomic region encompassing the full coding sequence of the PDGFRA gene has been identified. The boundaries of this event are unknown as the duplication extends beyond the assayed region for this gene and therefore may encompass additional genes. As the precise location of this duplication is unknown, it may be in tandem or it may be located elsewhere in the genome. This variant has not been reported in the literature in individuals with a PDGFRA-related disease. Experimental studies and prediction algorithms are not available for this variant, and the functional significance of the duplicated gene copies is currently unknown. In summary, the exact genomic location of this variant is unknown and the impact of this duplication on PDGFRA protein function has not been established. Therefore, it has been classified as a Variant of Uncertain Significance.

NC_000004.11:g.(?_55124930)_(55161445_?)dup

Genes: PDGFRA (platelet derived growth factor receptor alpha; plus strand), LOC126807054 (BRD4-independent group 4 enhancer GRCh37_chr4:55147260-55148459; plus strand). Cytogenetic location: 4q12.
Variant type: Duplication.
Identifiers: ClinVar variation 458847 (VCV000458847.1).